The following is an entry in ClinVar:

ClinVar aggregate classification (germline): Pathogenic (1 of 4 stars; one submission).

Conditions:
Ataxia-telangiectasia syndrome (AT). Also called: Cerebello-oculocutaneous telangiectasia; Immunodeficiency with ataxia telangiectasia; Ataxia-telangiectasia, complementation group E; Ataxia-telangiectasia, complementation group D; AT, COMPLEMENTATION GROUP C; ATAXIA-TELANGIECTASIA, COMPLEMENTATION GROUP A. Identifiers: Orphanet 100, MedGen C0004135, MONDO:0008840, OMIM 208900.

Submission:

Labcorp Genetics (formerly Invitae), Labcorp
Classification: Pathogenic for Ataxia-telangiectasia syndrome. Last evaluated: 2018-06-12. Review status: criteria provided, single submitter. Criteria: Invitae Variant Classification Sherloc (09022015). Collection method: clinical testing. Allele origin: germline.
Comment: This sequence change results in a premature translational stop signal in the ATM gene (p.Leu3013Lysfs*4). While this is not anticipated to result in nonsense mediated decay, it is expected to disrupt the last 44 amino acids of the ATM protein. This variant is not present in population databases (ExAC no frequency). This variant has not been reported in the literature in individuals with ATM-related disease. A different truncation (p.Arg3047*) that lies downstream of this variant has been determined to be pathogenic (PMID: 8755918, 10980530, 18560558, 19431188, 19691550, 26628246). This suggests that deletion of this region of the ATM protein is causative of disease. For these reasons, this variant has been classified as Pathogenic.

Literature cited by the submitters: PubMed 8755918; PubMed 10980530; PubMed 18560558; PubMed 19431188; PubMed 19691550; PubMed 26628246.

NM_000051.4(ATM):c.9037_9040del (p.Leu3013fs)

Genes: ATM (ATM serine/threonine kinase; plus strand), C11orf65 (chromosome 11 open reading frame 65; minus strand). Cytogenetic location: 11q22.3.
Variant type: Deletion.
Coding change: c.9037_9040del on transcript NM_000051.4 (MANE Select); coding-DNA positions 9037 to 9040, 4 bases deleted (CTAC; older notation c.9037_9040delCTAC).
Protein change: p.Leu3013fs; shifts the reading frame from leucine 3013.
Molecular consequence: frameshift variant. On other transcripts: intron variant (2).
Genome position (GRCh38, 1-based): chr11:108,365,374-108,365,377, CTAC deleted. VCF-style (leftmost placement, unchanged base first): chr11-108365373-ACTAC-A. GRCh37 (hg19) VCF-style: chr11-108236100-ACTAC-A.
Other names: c.9037_9040del, p.Leu3013fs (NM_001351834.2); c.640+20543_640+20546del (NM_001330368.2); c.694+20543_694+20546del (NM_001351110.2); short protein forms L3013fs.
Identifiers: ClinVar variation 575549 (VCV000575549.9), dbSNP rs1565609008, ClinGen allele CA891843039.